The following is an entry in ClinVar:

ClinVar aggregate classification (germline): Pathogenic/Likely pathogenic. Review status: criteria provided, multiple submitters, no conflicts (2 of 4 stars). 24 submissions from 20 submitters: Pathogenic (10); Likely pathogenic (3). 11 of the submissions do not count toward it. Last evaluated 2026-08-05.

Conditions:
Patterned dystrophy of the retinal pigment epithelium (MDPT1). Identifiers: Orphanet 63454, MedGen C1868569, MONDO:0018973.
Progressive cone dystrophy (without rod involvement). Identifiers: MedGen C0271092.
PRPH2-related disorder. Also called: PRPH2-related condition; PRPH2-related disorders. Identifiers: MedGen CN239395.
Retinal dystrophy. Also called: Inherited retinal dystrophy. Identifiers: Orphanet 71862, MedGen C0854723, MeSH D058499, MONDO:0019118, HP:0000556.
Retinitis pigmentosa (RP). Identifiers: Orphanet 791, MedGen C0035334, MeSH D012174, MONDO:0019200, OMIM 268000. Inheritance: Autosomal dominant, autosomal recessive and X linked inheritance.
Patterned macular dystrophy 1. Also called: MACULAR DYSTROPHY, BUTTERFLY-SHAPED PIGMENTARY; BUTTERFLY DYSTROPHY OF RETINAL PIGMENT EPITHELIUM. Identifiers: Orphanet 99001, MedGen C4551999, MONDO:0008210, OMIM 169150.
Choroidal dystrophy, central areolar 2 (CACD2). Also called: MACULAR DYSTROPHY, PROGRESSIVE; Choriodal Dystrophy, Central Areolar 2. Identifiers: Orphanet 75377, MedGen C2751290, MONDO:0013137, OMIM 613105.
Stargardt disease (FFM). Also called: Stargardt's disease; Fundus flavimaculatus. Identifiers: Orphanet 827, MedGen C0271093, MONDO:0019353.
maculopathy.
Cone dystrophy. Identifiers: Orphanet 1871, MedGen C0730290, MONDO:0000455.

Allele frequency attached by ClinVar (database versions not stated): gnomAD 0.00001; ExAC 0.00002; gnomAD exomes 0.00002.
gnomAD v4.1: 13 of 1,614,030 alleles (0.00081%); highest among the groups gnomAD compares: Admixed American, 0.005%; no homozygotes.

Submissions 1 to 17 of 24:

PreventionGenetics, part of Exact Sciences
Classification: Pathogenic for PRPH2-related condition. Last evaluated: 2026-08-05. Review status: criteria provided, single submitter. Criteria: ACMG Guidelines, 2015. Collection method: clinical testing. Allele origin: germline.
Comment: The PRPH2 c.424C>T variant is predicted to result in the amino acid substitution p.Arg142Trp. This variant has been reported many times in the heterozygous state in individuals with autosomal dominant retinal disease (see for examples: Table S1, Birtel et al. 2018. PubMed ID: 29555955; Table S1, Stone et al. 2017. PubMed ID: 28559085; Kersten et al. 2018. PubMed ID: 30215852). This variant is reported in 0.0085% of alleles in individuals of Latino descent in gnomAD. This variant is interpreted as pathogenic for autosomal dominant disease.

GeneDx
Classification: Likely pathogenic. Last evaluated: 2026-07-23. Review status: criteria provided, single submitter. Criteria: GeneDx Variant Classification Process June 2021. Collection method: clinical testing. Allele origin: germline.
Comment: Identified in individuals with autosomal dominant retinitis pigmentosa (PMID: 22334370, 28076437); Considered a founder variant in individuals from the southeastern region of the Netherlands (PMID: 19243827); In silico analysis supports that this missense variant has a deleterious effect on protein structure/function; This variant is associated with the following publications: (PMID: 29555955, 34411390, 39843441, 34647987, 34828423, 23891399, 8644804, 28076437, 17653047, 11139263, 11801511, 19038374, 30910914, 31047497, 30215852, 29155698, 28559085, 30718709, 31456290, 32531846, 31589614, 33846575, 36011402, 34906036, 33546218, 38041245, 38453143, 22334370, 38540785, 39382871, 36284460, 38743414, 38219857, 38474159, 19243827, 22003107, 37798099, 32445700, 40722607)

Labcorp Genetics (formerly Invitae), Labcorp
Classification: Pathogenic for PRPH2-related disorder. Last evaluated: 2026-01-08. Review status: criteria provided, single submitter. Criteria: Invitae Variant Classification Sherloc (09022015). Collection method: clinical testing. Allele origin: germline.
Comment: This sequence change replaces arginine, which is basic and polar, with tryptophan, which is neutral and slightly polar, at codon 142 of the PRPH2 protein (p.Arg142Trp). This variant is present in population databases (rs61755783, gnomAD 0.006%). This missense change has been observed in individuals with autosomal dominant pattern dystrophy, mild central areolarchoroidal dystrophy, or other retinal disease (PMID: 8644804, 19038374, 19243827, 28076437, 28559085). It has also been observed to segregate with disease in related individuals. ClinVar contains an entry for this variant (Variation ID: 13183). Invitae Evidence Modeling of protein sequence and biophysical properties (such as structural, functional, and spatial information, amino acid conservation, physicochemical variation, residue mobility, and thermodynamic stability) has been performed for this missense variant. However, the output from this modeling did not meet the statistical confidence thresholds required to predict the impact of this variant on PRPH2 protein function. For these reasons, this variant has been classified as Pathogenic.

SingHealth Duke-NUS Institute of Precision Medicine
Classification: Likely pathogenic for Patterned macular dystrophy 1. Last evaluated: 2025-02-05. Review status: criteria provided, single submitter. Criteria: PRISM ACMG Classification Criteria. Collection method: clinical testing. Allele origin: germline. Affected: yes.
Comment: Variant is in a mutational hotspot where >50% of variants are pathogenic (PM1). gnomAD exomes and genomes homozygous allele count is less than 0 (PM2). Prevalence in affected individuals is significantly increased (PS4, PMID:32531846;34411390;32531846;28559085;8747448). Cosegregation is observed in multiple families (PP1, PMID: 34906036)

Blueprint Genetics
Classification: Pathogenic for PRPH2-related disorders. Last evaluated: 2023-12-20. Review status: criteria provided, single submitter. Criteria: ACMG Guidelines, 2015. Collection method: clinical testing. Allele origin: germline. Affected: yes. Observed: 5 variant alleles.

Dept Of Ophthalmology, Nagoya University
Classification: Pathogenic for Retinal dystrophy. Last evaluated: 2023-10-01. Review status: criteria provided, single submitter. Criteria: Submitter's publication. Collection method: research. Allele origin: germline. Affected: yes.

Institute of Human Genetics, Univ. Regensburg, Univ. Regensburg
Classification: Pathogenic for Retinal dystrophy. Last evaluated: 2023-01-01. Review status: criteria provided, single submitter. Criteria: ACMG Guidelines, 2015. Collection method: clinical testing. Allele origin: germline. Affected: yes.

MGZ Medical Genetics Center
Classification: Pathogenic for Patterned macular dystrophy 1. Last evaluated: 2022-07-15. Review status: criteria provided, single submitter. Criteria: ACMG Guidelines, 2015. Collection method: clinical testing. Allele origin: germline. Affected: yes. Observed: 1 variant allele.
Comment: ACMG criteria applied: PS4_VSTR, PM2_SUP, PP1, PP3

Institute of Medical Molecular Genetics, University of Zurich
Classification: Likely pathogenic for Patterned macular dystrophy 1. Last evaluated: 2021-01-30. Review status: criteria provided, single submitter. Criteria: ACMG Guidelines, 2015. Collection method: clinical testing. Allele origin: unknown. Affected: yes.

NEI Ophthalmic Genomics Laboratory, National Institutes of Health
Classification: Pathogenic for Stargardt disease. Last evaluated: 2020-01-07. Review status: criteria provided, single submitter. Criteria: ACMG Guidelines, 2015. Collection method: clinical testing. Allele origin: germline. Affected: yes.
Comment: The variant NM_000322.4:c.424C>T in the PRPH2 gene has been previously studied(PMIDs 7875944, 22003107, 22334370, 28559085, 28076437, 29555955, 29155698, 30215852, 30910914). We found this variant in 5 patient(s) in a PRPH2 cohort study (Reeves et al. 2020). This variant is listed in dbSNP and/or HGMD (rs61755783,CM951116). It is present in gnomAD browser (AF 0.0000163). It is enriched in the PRPH2 disease cohort. We invoked ACMG criteria [PS4, PM1, PM2, PP3, PP5] and classified NM_000322.4:c.424C>T in the PRPH2 gene as a Pathogenic mutation.

NEI Ophthalmic Genomics Laboratory, National Institutes of Health
Classification: Pathogenic for Patterned dystrophy of the retinal pigment epithelium. Last evaluated: 2020-01-07. Review status: criteria provided, single submitter. Criteria: ACMG Guidelines, 2015. Collection method: clinical testing. Allele origin: germline. Affected: yes.
Comment: the same text as in the submission from NEI Ophthalmic Genomics Laboratory, National Institutes of Health above.

NEI Ophthalmic Genomics Laboratory, National Institutes of Health
Classification: Pathogenic for Retinitis pigmentosa. Last evaluated: 2020-01-07. Review status: criteria provided, single submitter. Criteria: ACMG Guidelines, 2015. Collection method: clinical testing. Allele origin: germline. Affected: yes.
Comment: the same text as in the submission from NEI Ophthalmic Genomics Laboratory, National Institutes of Health above.

Eurofins Ntd Llc (ga)
Classification: Pathogenic. Last evaluated: 2014-03-17. Review status: criteria provided, single submitter. Criteria: EGL Classification Definitions. Collection method: clinical testing. Allele origin: germline. Observed: 3 variant alleles, 3 heterozygotes.

Ophthalmo-Genetics Lab, Instituto de Oftalmologia Conde de Valenciana
Classification: Pathogenic for Stargardt disease. Last evaluated: 2022-12-13. Review status: no assertion criteria provided. Collection method: research. Allele origin: biparental. Inheritance: Autosomal dominant inheritance. Affected: yes. Observed: 1 heterozygote. Not counted in ClinVar's aggregate classification.

Ophthalmo-Genetics Lab, Instituto de Oftalmologia Conde de Valenciana
Classification: Pathogenic for Patterned macular dystrophy 1. Last evaluated: 2022-04-21. Review status: no assertion criteria provided. Collection method: research. Allele origin: de novo. Inheritance: Autosomal dominant inheritance. Affected: yes. Observed: 1 heterozygote. Not counted in ClinVar's aggregate classification.

Leiden Open Variation Database
Classification: Pathogenic. Last evaluated: 2021-05-14. Review status: no assertion criteria provided. Collection method: curation. Allele origin: germline. Affected: yes. Not counted in ClinVar's aggregate classification.
Comment: Curator: Global Variome, with Curator vacancy. Submitters to LOVD: Global Variome, with Curator vacancy, Johan den Dunnen, Kornelia Neveling, LOVD, Manon Peeters. Comment: Variant observed de novo.

Sharon lab, Hadassah-Hebrew University Medical Center
Classification: Pathogenic for Maculopathy. Last evaluated: 2019-06-23. Review status: no assertion criteria provided. Collection method: research. Allele origin: inherited. Affected: yes. Not counted in ClinVar's aggregate classification.

NM_000322.5(PRPH2):c.424C>T (p.Arg142Trp)

Gene: PRPH2 (peripherin 2; minus strand). Cytogenetic location: 6p21.1.
Variant type: single nucleotide variant.
Coding change: c.424C>T on transcript NM_000322.5 (MANE Select); coding-DNA position 424, C replaced by T.
Protein change: p.Arg142Trp; replaces arginine 142 with tryptophan.
Molecular consequence: missense variant.
Genome position (GRCh38, 1-based): chr6:42,721,911, G>A on the plus strand (C>T on the coding strand, the complement: PRPH2 is on the minus strand). VCF-style: chr6-42721911-G-A. GRCh37 (hg19) VCF-style: chr6-42689649-G-A.
Other names: short protein forms R142W.
Identifiers: ClinVar variation 13183 (VCV000013183.38), dbSNP rs61755783, ClinGen allele CA122946.